The following is an entry in ClinVar:

ClinVar aggregate classification (germline): Pathogenic. Review status: criteria provided, multiple submitters, no conflicts (2 of 4 stars). 3 submissions from 3 submitters: Pathogenic (3). Last evaluated 2022-06-20.

Conditions:
GRN-related frontotemporal lobar degeneration with Tdp43 inclusions (FTD2). Also called: GRN Frontotemporal Dementia; FRONTOTEMPORAL DEMENTIA WITH TDP43 INCLUSIONS, GRN-RELATED; DEMENTIA, HEREDITARY DYSPHASIC DISINHIBITION; FRONTOTEMPORAL LOBAR DEGENERATION WITH UBIQUITIN-POSITIVE INCLUSIONS; FTLD-TDP, GRN-RELATED. Identifiers: Orphanet 100070, Orphanet 282, MedGen C1843792, MONDO:0011842, OMIM 607485. Disease mechanism: loss of function.
Neuronal ceroid lipofuscinosis 11. Also called: GRN-Related Neuronal Ceroid-Lipofuscinosis. Identifiers: Orphanet 314629, Orphanet 79262, MedGen C3539123, MONDO:0013866, OMIM 614706.

Submissions (3):

Labcorp Genetics (formerly Invitae), Labcorp
Classification: Pathogenic for Neuronal ceroid lipofuscinosis 11; GRN-related frontotemporal lobar degeneration with Tdp43 inclusions. Last evaluated: 2022-06-20. Review status: criteria provided, single submitter. Criteria: Invitae Variant Classification Sherloc (09022015). Collection method: clinical testing. Allele origin: germline.
Comment: For these reasons, this variant has been classified as Pathogenic. Algorithms developed to predict the effect of sequence changes on RNA splicing suggest that this variant may disrupt the consensus splice site. ClinVar contains an entry for this variant (Variation ID: 807611). Disruption of this splice site has been observed in individuals with frontotemporal dementia (PMID: 31810826; Invitae). This variant is not present in population databases (gnomAD no frequency). This sequence change affects a donor splice site in intron 4 of the GRN gene. It is expected to disrupt RNA splicing. Variants that disrupt the donor or acceptor splice site typically lead to a loss of protein function (PMID: 16199547), and loss-of-function variants in GRN are known to be pathogenic (PMID: 16862116, 16950801, 22608501).

Institute of Human Genetics Munich, TUM University Hospital
Classification: Pathogenic for GRN-related frontotemporal lobar degeneration with Tdp43 inclusions. Last evaluated: 2019-06-07. Review status: criteria provided, single submitter. Criteria: Classification criteria August 2017. Collection method: clinical testing. Allele origin: germline. Inheritance: Autosomal dominant inheritance. Affected: yes. Observed: 1 heterozygote.

Juno Genomics, Hangzhou Juno Genomics, Inc
Classification: Pathogenic for GRN-related frontotemporal lobar degeneration with Tdp43 inclusions; Neuronal ceroid lipofuscinosis 11. Review status: criteria provided, single submitter. Criteria: ACMG Guidelines, 2015. Collection method: clinical testing. Allele origin: germline.
Comment: Absent from controls (or at extremely low frequency if recessive) in Genome Aggregation Database.;Null variant in a gene where loss of function (LOF) is a known mechanism of disease.;The prevalence of the variant in affected individuals is significantly increased compared to the prevalence in controls.

Literature cited by the submitters: PubMed 31810826 (cited by Labcorp Genetics (formerly Invitae), Labcorp); PubMed 16199547 (cited by Labcorp Genetics (formerly Invitae), Labcorp); PubMed 16862116 (cited by Labcorp Genetics (formerly Invitae), Labcorp); PubMed 16950801 (cited by Labcorp Genetics (formerly Invitae), Labcorp); PubMed 22608501 (cited by Labcorp Genetics (formerly Invitae), Labcorp).

NM_002087.4(GRN):c.349+1G>C

Gene: GRN (granulin precursor; plus strand). Cytogenetic location: 17q21.31.
Variant type: single nucleotide variant.
Coding change: c.349+1G>C on transcript NM_002087.4 (MANE Select); the canonical splice donor site of the intron after coding-DNA position 349, G replaced by C.
Molecular consequence: splice donor variant.
Genome position (GRCh38, 1-based): chr17:44,349,752, G>C. VCF-style: chr17-44349752-G-C. GRCh37 (hg19) VCF-style: chr17-42427120-G-C.
Identifiers: ClinVar variation 807611 (VCV000807611.11), dbSNP rs1598363083, ClinGen allele CA399760751.